The following is an entry in ClinVar:

ClinVar aggregate classification (germline): Uncertain significance (1 of 4 stars; one submission).

gnomAD v4.1: 2 of 1,511,290 alleles (0.00013%); no homozygotes.

Submission:

GeneDx
Classification: Uncertain significance. Last evaluated: 2024-09-12. Review status: criteria provided, single submitter. Criteria: GeneDx Variant Classification Process June 2021. Collection method: clinical testing. Allele origin: germline. Affected: yes.
Comment: Not observed at significant frequency in large population cohorts (gnomAD); In silico analysis indicates that this missense variant does not alter protein structure/function; Has not been previously published as pathogenic or benign to our knowledge

NM_016239.4(MYO15A):c.2351C>T (p.Pro784Leu)

Gene: MYO15A (myosin XVA; plus strand). Cytogenetic location: 17p11.2.
Variant type: single nucleotide variant.
Coding change: c.2351C>T on transcript NM_016239.4 (MANE Select); coding-DNA position 2351, C replaced by T.
Protein change: p.Pro784Leu; replaces proline 784 with leucine.
Molecular consequence: missense variant.
Genome position (GRCh38, 1-based): chr17:18,121,151, C>T. VCF-style: chr17-18121151-C-T. GRCh37 (hg19) VCF-style: chr17-18024465-C-T.
Other names: short protein forms P784L.
Identifiers: ClinVar variation 3770000 (VCV003770000.1).
Genomic context (GRCh38, chr17:18,121,151, plus strand): 5'-CGTCGCGGAGGCGAGCTTGGTCACCGCTGGCCTCGCCCCAGCCCTCGCTGAGGAGCTCGC[C>T]GGGCCTCGGCTACTGCTCACCCTTGGCGCCCCCGTCGCCTCAGCTGTCCTTGCGCACGGG-3'
Protein context (NP_057323.3, residues 774-794): ASPQPSLRSS[Pro784Leu]GLGYCSPLAP